The following is an entry in ClinVar:

ClinVar aggregate classification (germline): Uncertain significance (1 of 4 stars; one submission).

Conditions:
Hypertrophic cardiomyopathy. Also called: HYPERTROPHIC MYOCARDIOPATHY. Identifiers: Orphanet 217569, MedGen C0007194, MeSH D002312, MONDO:0005045, HP:0001639.

Submission:

Labcorp Genetics (formerly Invitae), Labcorp
Classification: Uncertain significance for Hypertrophic cardiomyopathy. Last evaluated: 2024-06-12. Review status: criteria provided, single submitter. Criteria: Invitae Variant Classification Sherloc (09022015). Collection method: clinical testing. Allele origin: germline.
Comment: This sequence change replaces glycine, which is neutral and non-polar, with glutamic acid, which is acidic and polar, at codon 1011 of the MYBPC3 protein (p.Gly1011Glu). This variant is not present in population databases (gnomAD no frequency). This variant has not been reported in the literature in individuals affected with MYBPC3-related conditions. An algorithm developed to predict the effect of missense changes on protein structure and function (PolyPhen-2) suggests that this variant is likely to be disruptive. In summary, the available evidence is currently insufficient to determine the role of this variant in disease. Therefore, it has been classified as a Variant of Uncertain Significance.

NM_000256.3(MYBPC3):c.3032G>A (p.Gly1011Glu)

Gene: MYBPC3 (myosin binding protein C3; minus strand). Cytogenetic location: 11p11.2.
Variant type: single nucleotide variant.
Coding change: c.3032G>A on transcript NM_000256.3 (MANE Select); coding-DNA position 3032, G replaced by A.
Protein change: p.Gly1011Glu; replaces glycine 1011 with glutamic acid.
Molecular consequence: missense variant.
Genome position (GRCh38, 1-based): chr11:47,333,715, C>T on the plus strand (G>A on the coding strand, the complement: MYBPC3 is on the minus strand). VCF-style: chr11-47333715-C-T. GRCh37 (hg19) VCF-style: chr11-47355266-C-T.
Other names: short protein forms G1011E.
Identifiers: ClinVar variation 3655991 (VCV003655991.2).
Genomic context (GRCh38, chr11:47,333,715, plus strand): 5'-AACAGGATGGTGTCTGTGGGGCTGTTGCGGATGCTCACCTCCTCGCCTGCCAGGGGCTGC[C>T]CCTCTTTGGTCCAGGTCACCTGAGGCCGGGGCTTGCCCTGAGGGGAGGAAAAGCTTAACC-3'
Protein context (NP_000247.2, residues 1001-1021): PRPQVTWTKE[Gly1011Glu]QPLAGEEVSI